The following is an entry in ClinVar:

NM_001205019.2(GK):c.1438C>T (p.Leu480Phe)

Gene: GK (glycerol kinase; plus strand). Cytogenetic location: Xp21.2.
Variant type: single nucleotide variant.
Coding change: c.1438C>T on transcript NM_001205019.2 (MANE Select); coding-DNA position 1438, C replaced by T.
Protein change: p.Leu480Phe; replaces leucine 480 with phenylalanine.
Molecular consequence: missense variant. On other transcripts: non-coding transcript variant (7).
Genome position (GRCh38, 1-based): chrX:30,720,932, C>T. VCF-style: chrX-30720932-C-T. GRCh37 (hg19) VCF-style: chrX-30739049-C-T.
Other names: c.1420C>T, p.Leu474Phe (NM_000167.6, NM_001128127.3); c.1504C>T, p.Leu502Phe (NM_001399987.1); c.1438C>T, p.Leu480Phe (NM_203391.4); short protein forms L474F, L480F, L502F.
Identifiers: ClinVar variation 3362133 (VCV003362133.1).

ClinVar aggregate classification (germline): Uncertain significance (1 of 4 stars; one submission).

Submission:

GeneDx
Classification: Uncertain significance. Last evaluated: 2023-12-28. Review status: criteria provided, single submitter. Criteria: GeneDx Variant Classification Process June 2021. Collection method: clinical testing. Allele origin: germline. Affected: yes.
Comment: Not observed at significant frequency in large population cohorts (gnomAD); In silico analysis supports that this missense variant has a deleterious effect on protein structure/function; Has not been previously published as pathogenic or benign to our knowledge